The following is an entry in ClinVar:

NM_001270508.2(TNFAIP3):c.634+10C>A

Genes: TNFAIP3 (TNF alpha induced protein 3; plus strand), LOC126859807 (MED14-independent group 3 enhancer GRCh37_chr6:138196296-138197495; plus strand). Cytogenetic location: 6q23.3.
Variant type: single nucleotide variant.
Coding change: c.634+10C>A on transcript NM_001270508.2 (MANE Select); 10 bases into the intron after coding-DNA position 634, C replaced by A.
Molecular consequence: intron variant.
Genome position (GRCh38, 1-based): chr6:137,875,845, C>A. VCF-style: chr6-137875845-C-A. GRCh37 (hg19) VCF-style: chr6-138196982-C-A.
Other names: c.634+10C>A (NM_001270507.2, NM_006290.4).
Identifiers: ClinVar variation 2811617 (VCV002811617.3), dbSNP rs747702591, ClinGen allele CA4019475.
Genomic context (GRCh38, chr6:137,875,845, plus strand): 5'-ACATATTTGTCCTTTGCAACATCCTCAGAAGGCCAATCATTGTCATTTCAGGTGAGATGC[C>A]TGCAGATCACGGATCTGTACTTAAATGCTTTCAGCCTTATGCCTTGGCTCCTGGAGAAAA-3'

ClinVar aggregate classification (germline): Uncertain significance (1 of 4 stars; one submission).

Allele frequency attached by ClinVar (database versions not stated): ExAC 0.00001.

Submission:

Labcorp Genetics (formerly Invitae), Labcorp
Classification: Uncertain significance. Last evaluated: 2023-05-31. Review status: criteria provided, single submitter. Criteria: Invitae Variant Classification Sherloc (09022015). Collection method: clinical testing. Allele origin: germline.
Comment: In summary, the available evidence is currently insufficient to determine the role of this variant in disease. Therefore, it has been classified as a Variant of Uncertain Significance. This sequence change falls in intron 4 of the TNFAIP3 gene. It does not directly change the encoded amino acid sequence of the TNFAIP3 protein. This variant is present in population databases (rs747702591, gnomAD 0.006%). This variant has not been reported in the literature in individuals affected with TNFAIP3-related conditions. Algorithms developed to predict the effect of sequence changes on RNA splicing suggest that this variant may disrupt the consensus splice site.